The following is an entry in ClinVar:

NM_004104.5(FASN):c.5102C>T (p.Ser1701Leu)

Gene: FASN (fatty acid synthase; minus strand). Cytogenetic location: 17q25.3.
Variant type: single nucleotide variant.
Coding change: c.5102C>T on transcript NM_004104.5 (MANE Select); coding-DNA position 5102, C replaced by T.
Protein change: p.Ser1701Leu; replaces serine 1701 with leucine.
Molecular consequence: missense variant.
Genome position (GRCh38, 1-based): chr17:82,083,888, G>A on the plus strand (C>T on the coding strand, the complement: FASN is on the minus strand). VCF-style: chr17-82083888-G-A. GRCh37 (hg19) VCF-style: chr17-80041764-G-A.
Other names: short protein forms S1701L.
Identifiers: ClinVar variation 2145649 (VCV002145649.4), dbSNP rs929431934, ClinGen allele CA295128052.
Genomic context (GRCh38, chr17:82,083,888, plus strand): 5'-GCGAAGCTGGTGCTGTCGAGCTGGGGGAACCTGGCCTGGAGGTACGCCCGCTTCTCAGCC[G>A]ACCCTGGTGAAGAGAGGAAGCGCGGCTGGTGAGCCAGGGCGGCGGGGCCAGGAGGGCAGC-3'
Protein context (NP_004095.4, residues 1691-1711): LGCRVFTTVG[Ser1701Leu]AEKRAYLQAR

ClinVar aggregate classification (germline): Uncertain significance (1 of 4 stars; one submission).

Conditions:
Epileptic encephalopathy. Identifiers: MedGen C0543888, HP:0200134.

Allele frequency attached by ClinVar (database versions not stated): gnomAD exomes 0.00003; gnomAD 0.00005; TOPMed 0.00005.
gnomAD v4.1: 59 of 1,564,910 alleles (0.0038%); highest among the groups gnomAD compares: African/African-American, 0.013%; no homozygotes.

Submission:

Labcorp Genetics (formerly Invitae), Labcorp
Classification: Uncertain significance for Epileptic encephalopathy. Last evaluated: 2025-06-17. Review status: criteria provided, single submitter. Criteria: Invitae Variant Classification Sherloc (09022015). Collection method: clinical testing. Allele origin: germline.
Comment: This sequence change replaces serine, which is neutral and polar, with leucine, which is neutral and non-polar, at codon 1701 of the FASN protein (p.Ser1701Leu). This variant is present in population databases (no rsID available, gnomAD 0.005%). This variant has not been reported in the literature in individuals affected with FASN-related conditions. ClinVar contains an entry for this variant (Variation ID: 2145649). An algorithm developed to predict the effect of missense changes on protein structure and function (PolyPhen-2) suggests that this variant is likely to be disruptive. In summary, the available evidence is currently insufficient to determine the role of this variant in disease. Therefore, it has been classified as a Variant of Uncertain Significance.